The following is an entry in ClinVar:

NM_003477.3(PDHX):c.1182+190A>T

Gene: PDHX (pyruvate dehydrogenase complex component X; plus strand). Cytogenetic location: 11p13.
Variant type: single nucleotide variant.
Coding change: c.1182+190A>T on transcript NM_003477.3 (MANE Select); 190 bases into the intron after coding-DNA position 1182, A replaced by T.
Molecular consequence: intron variant.
Genome position (GRCh38, 1-based): chr11:34,984,918, A>T. VCF-style: chr11-34984918-A-T. GRCh37 (hg19) VCF-style: chr11-35006465-A-T.
Other names: c.1002+190A>T (NM_001135024.2); c.501+190A>T (NM_001166158.2).
Identifiers: ClinVar variation 683435 (VCV000683435.2), dbSNP rs2025780, ClinGen allele CA15703666.

ClinVar aggregate classification (germline): Benign. Review status: criteria provided, multiple submitters, no conflicts (2 of 4 stars). 2 submissions from 2 submitters: Benign (2). Last evaluated 2018-06-14.

Allele frequency attached by ClinVar (database versions not stated): 1000 Genomes Project 30x 0.55934; 1000 Genomes Project 0.56709; TOPMed 0.58285; gnomAD 0.59402 and 0.59658; gnomAD exomes 0.67799.
gnomAD v4.1: 358,977 of 547,844 alleles (66%); highest among the groups gnomAD compares: East Asian, 73%; 120,860 homozygotes.

Submissions (2):

GeneDx
Classification: Benign. Last evaluated: 2018-06-14. Review status: criteria provided, single submitter. Criteria: GeneDx Variant Classification (06012015). Collection method: clinical testing. Allele origin: germline. Affected: yes.
Comment: This variant is considered likely benign or benign based on one or more of the following criteria: it is a conservative change, it occurs at a poorly conserved position in the protein, it is predicted to be benign by multiple in silico algorithms, and/or has population frequency not consistent with disease.

Breakthrough Genomics
Classification: Benign. Review status: criteria provided, single submitter. Criteria: ACMG Guidelines, 2015. Collection method: not provided. Allele origin: germline. Inheritance: Autosomal recessive inheritance. Affected: yes.